The following is an entry in ClinVar:

ClinVar aggregate classification (germline): Uncertain significance (1 of 4 stars; one submission).

Conditions:
Neurofibromatosis, type 1 (NF1). Also called: Peripheral type neurofibromatosis; Neurofibromatosis, type I; VON RECKLINGHAUSEN DISEASE; NEUROFIBROMATOSIS, TYPE I, SOMATIC. Identifiers: Orphanet 636, MedGen C0027831, MONDO:0018975, OMIM 162200. Disease mechanism: loss of function.

Submission:

Labcorp Genetics (formerly Invitae), Labcorp
Classification: Uncertain significance for Neurofibromatosis, type 1. Last evaluated: 2020-11-14. Review status: criteria provided, single submitter. Criteria: Invitae Variant Classification Sherloc (09022015). Collection method: clinical testing. Allele origin: germline.
Comment: In summary, the available evidence is currently insufficient to determine the role of this variant in disease. Therefore, it has been classified as a Variant of Uncertain Significance. Algorithms developed to predict the effect of missense changes on protein structure and function are either unavailable or do not agree on the potential impact of this missense change (SIFT: "Deleterious"; PolyPhen-2: "Possibly Damaging"; Align-GVGD: "Class C0"). This variant has not been reported in the literature in individuals with NF1-related conditions. This variant is not present in population databases (ExAC no frequency). This sequence change replaces isoleucine with leucine at codon 573 of the NF1 protein (p.Ile573Leu). The isoleucine residue is highly conserved and there is a small physicochemical difference between isoleucine and leucine.

NM_001042492.3(NF1):c.1717A>C (p.Ile573Leu)

Gene: NF1 (neurofibromin 1; plus strand). Cytogenetic location: 17q11.2.
Variant type: single nucleotide variant.
Coding change: c.1717A>C on transcript NM_001042492.3 (MANE Select); coding-DNA position 1717, A replaced by C.
Protein change: p.Ile573Leu; replaces isoleucine 573 with leucine.
Molecular consequence: missense variant.
Genome position (GRCh38, 1-based): chr17:31,221,925, A>C. VCF-style: chr17-31221925-A-C. GRCh37 (hg19) VCF-style: chr17-29548943-A-C.
Other names: c.1717A>C, p.Ile573Leu (NM_000267.4, NM_001128147.3); short protein forms I573L.
Identifiers: ClinVar variation 1412396 (VCV001412396.8), dbSNP rs1597706766, ClinGen allele CA399002378.
Genomic context (GRCh38, chr17:31,221,925, plus strand): 5'-CATCAGTTAGATAGCATTGATTTGTGGAATCCTGATGCTCCTGTAGAAACATTTTGGGAG[A>C]TTAGGTATATGTACTTTTATTTTTTAAATTCAACTTTTAAATTTTATTTTGTATTTTTGT-3'
Protein context (NP_001035957.1, residues 563-583): PDAPVETFWE[Ile573Leu]SSQMLFYICK